The following is an entry in ClinVar:

NM_001148.6(ANK2):c.584C>T (p.Ala195Val)

Gene: ANK2 (ankyrin 2; plus strand). Cytogenetic location: 4q26.
Variant type: single nucleotide variant.
Coding change: c.584C>T on transcript NM_001148.6 (MANE Select); coding-DNA position 584, C replaced by T.
Protein change: p.Ala195Val; replaces alanine 195 with valine.
Molecular consequence: missense variant.
Genome position (GRCh38, 1-based): chr4:113,237,087, C>T. VCF-style: chr4-113237087-C-T. GRCh37 (hg19) VCF-style: chr4-114158243-C-T.
Other names: c.521C>T, p.Ala174Val (NM_001354264.2, NM_001354266.2, NM_001354276.2 and 33 more transcripts); c.584C>T, p.Ala195Val (NM_001354265.2, NM_001354225.2, NM_001354228.2 and 9 more transcripts); c.629C>T, p.Ala210Val (NM_001386144.1, NM_001354230.2, NM_001354231.2 and 5 more transcripts); c.566C>T, p.Ala189Val (NM_001386147.1, NM_001386160.1, NM_001354261.2); c.572C>T, p.Ala191Val (NM_001386148.2, NM_001354269.3, NM_001386186.2 and 1 more transcripts); c.635C>T, p.Ala212Val (NM_001386174.1, NM_001386175.1); short protein forms A174V, A189V, A191V, A195V, A210V, A212V.
Identifiers: ClinVar variation 4278731 (VCV004278731.1).

ClinVar aggregate classification (germline): Uncertain significance (1 of 4 stars; one submission).

Submission:

GeneDx
Classification: Uncertain significance. Last evaluated: 2025-04-01. Review status: criteria provided, single submitter. Criteria: GeneDx Variant Classification Process June 2021. Collection method: clinical testing. Allele origin: germline. Affected: yes.
Comment: Not observed at significant frequency in large population cohorts (gnomAD); In silico analysis supports that this missense variant has a deleterious effect on protein structure/function; Has not been previously published as pathogenic or benign to our knowledge